The following is an entry in ClinVar:

ClinVar aggregate classification (germline): Uncertain significance. Review status: criteria provided, multiple submitters, no conflicts (2 of 4 stars). 2 submissions from 2 submitters: Uncertain significance (2). Last evaluated 2026-01-26.

Conditions:
TCTN3-related disorder. Also called: TCTN3-related condition.
Inborn genetic diseases. Identifiers: MedGen C0950123, MeSH D030342.

Submissions (2):

PreventionGenetics, part of Exact Sciences
Classification: Uncertain significance for TCTN3-related condition. Last evaluated: 2026-01-26. Review status: criteria provided, single submitter. Criteria: ACMG Guidelines, 2015. Collection method: clinical testing. Allele origin: germline.
Comment: The TCTN3 c.310T>C variant is predicted to result in the amino acid substitution p.Cys104Arg. To our knowledge, this variant has not been reported in the literature. This variant is reported in 0.0065% of alleles in individuals of European (Non-Finnish) descent in gnomAD. At this time, the clinical significance of this variant is uncertain due to the absence of conclusive functional and genetic evidence.

Ambry Genetics
Classification: Uncertain significance for Inborn genetic diseases. Last evaluated: 2024-08-28. Review status: criteria provided, single submitter. Criteria: Ambry Variant Classification Scheme 2023. Collection method: clinical testing. Allele origin: germline.

NM_015631.6(TCTN3):c.310T>C (p.Cys104Arg)

Gene: TCTN3 (tectonic family member 3; minus strand). Cytogenetic location: 10q24.1.
Variant type: single nucleotide variant.
Coding change: c.310T>C on transcript NM_015631.6 (MANE Select); coding-DNA position 310, T replaced by C.
Protein change: p.Cys104Arg; replaces cysteine 104 with arginine.
Molecular consequence: missense variant.
Genome position (GRCh38, 1-based): chr10:95,693,423, A>G on the plus strand (T>C on the coding strand, the complement: TCTN3 is on the minus strand). VCF-style: chr10-95693423-A-G. GRCh37 (hg19) VCF-style: chr10-97453180-A-G.
Other names: c.310T>C, p.Cys104Arg (NM_001143973.2, NM_001410982.1); short protein forms C104R.
Identifiers: ClinVar variation 3454372 (VCV003454372.2).